The following is an entry in ClinVar:

NM_002691.4(POLD1):c.225A>G (p.Ile75Met)

Gene: POLD1 (DNA polymerase delta 1, catalytic subunit; plus strand). Cytogenetic location: 19q13.33.
Variant type: single nucleotide variant.
Coding change: c.225A>G on transcript NM_002691.4 (MANE Select); coding-DNA position 225, A replaced by G.
Protein change: p.Ile75Met; replaces isoleucine 75 with methionine.
Molecular consequence: missense variant. On other transcripts: non-coding transcript variant (1).
Genome position (GRCh38, 1-based): chr19:50,399,393, A>G. VCF-style: chr19-50399393-A-G. GRCh37 (hg19) VCF-style: chr19-50902650-A-G.
Other names: c.225A>G, p.Ile75Met (NM_001256849.1, NM_001308632.1); c.225A>G (NM_002691.2); short protein forms I75M.
Identifiers: ClinVar variation 652892 (VCV000652892.9), dbSNP rs1601190450, ClinGen allele CA406970418.
Genomic context (GRCh38, chr19:50,399,393, plus strand): 5'-GACTCCATGTACTCCACTTCCTTCCCTTCCCCCACCAGGGCAGGTCCCACCATCAGCCAT[A>G]GATCCTCGCTGGCTTCGGCCCACACCACCAGCGCTGGACCCCCAGACAGAGCCCCTCATC-3'
Protein context (NP_002682.2, residues 65-85): VADGQVPPSA[Ile75Met]DPRWLRPTPP

ClinVar aggregate classification (germline): Uncertain significance. Review status: criteria provided, multiple submitters, no conflicts (2 of 4 stars). 2 submissions from 2 submitters: Uncertain significance (2). Last evaluated 2026-03-20.

Conditions:
POLD1-related polyposis and colorectal cancer syndrome (CRCS10). Also called: Colorectal cancer, susceptibility to, 10; Colorectal cancer 10; COLORECTAL CANCER, SUSCEPTIBILITY TO, ON CHROMOSOME 19q. Identifiers: Orphanet 220460, MedGen C2675481, MONDO:0012953, OMIM 612591.
Hereditary cancer-predisposing syndrome. Also called: Hereditary neoplastic syndrome; Tumor predisposition; Hereditary Cancer Syndrome; Neoplastic Syndromes, Hereditary. Identifiers: Orphanet 140162, MedGen C0027672, MeSH D009386, MONDO:0015356.

Allele frequency attached by ClinVar (database versions not stated): gnomAD exomes below 0.00001.
gnomAD v4.1: 1 of 1,613,920 alleles (0.000062%); highest among the groups gnomAD compares: Non-Finnish European, 0.000085%; no homozygotes.

Submissions (2):

Ambry Genetics
Classification: Uncertain significance for Hereditary cancer-predisposing syndrome. Last evaluated: 2026-03-20. Review status: criteria provided, single submitter. Criteria: Ambry Variant Classification Scheme 2023. Collection method: clinical testing. Allele origin: germline.
Comment: The p.I75M variant (also known as c.225A>G), located in coding exon 2 of the POLD1 gene, results from an A to G substitution at nucleotide position 225. The isoleucine at codon 75 is replaced by methionine, an amino acid with highly similar properties. This amino acid position is conserved. In addition, this alteration is predicted to be tolerated by in silico analysis. Based on the available evidence, the clinical significance of this variant remains unclear.

Labcorp Genetics (formerly Invitae), Labcorp
Classification: Uncertain significance for POLD1-related polyposis and colorectal cancer syndrome. Last evaluated: 2024-05-01. Review status: criteria provided, single submitter. Criteria: Invitae Variant Classification Sherloc (09022015). Collection method: clinical testing. Allele origin: germline.
Comment: This sequence change replaces isoleucine, which is neutral and non-polar, with methionine, which is neutral and non-polar, at codon 75 of the POLD1 protein (p.Ile75Met). This variant is not present in population databases (gnomAD no frequency). This variant has not been reported in the literature in individuals affected with POLD1-related conditions. ClinVar contains an entry for this variant (Variation ID: 652892). Advanced modeling of protein sequence and biophysical properties (such as structural, functional, and spatial information, amino acid conservation, physicochemical variation, residue mobility, and thermodynamic stability) performed at Invitae indicates that this missense variant is not expected to disrupt POLD1 protein function with a negative predictive value of 80%. In summary, the available evidence is currently insufficient to determine the role of this variant in disease. Therefore, it has been classified as a Variant of Uncertain Significance.